The following is an entry in ClinVar:

NM_013432.5(TONSL):c.649C>G (p.Gln217Glu)

Gene: TONSL (tonsoku like, DNA repair protein; minus strand). Cytogenetic location: 8q24.3.
Variant type: single nucleotide variant.
Coding change: c.649C>G on transcript NM_013432.5 (MANE Select); coding-DNA position 649, C replaced by G.
Protein change: p.Gln217Glu; replaces glutamine 217 with glutamic acid.
Molecular consequence: missense variant.
Genome position (GRCh38, 1-based): chr8:144,442,342, G>C on the plus strand (C>G on the coding strand, the complement: TONSL is on the minus strand). VCF-style: chr8-144442342-G-C. GRCh37 (hg19) VCF-style: chr8-145667725-G-C.
Other names: short protein forms Q217E.
Identifiers: ClinVar variation 2009727 (VCV002009727.4), dbSNP rs865833636, ClinGen allele CA372676754.

ClinVar aggregate classification (germline): Uncertain significance (1 of 4 stars; one submission).

Submission:

Labcorp Genetics (formerly Invitae), Labcorp
Classification: Uncertain significance. Last evaluated: 2022-06-23. Review status: criteria provided, single submitter. Criteria: Invitae Variant Classification Sherloc (09022015). Collection method: clinical testing. Allele origin: germline.
Comment: This sequence change replaces glutamine, which is neutral and polar, with glutamic acid, which is acidic and polar, at codon 217 of the TONSL protein (p.Gln217Glu). This variant is not present in population databases (gnomAD no frequency). This variant has not been reported in the literature in individuals affected with TONSL-related conditions. Algorithms developed to predict the effect of missense changes on protein structure and function output the following: SIFT: "Tolerated"; PolyPhen-2: "Benign"; Align-GVGD: "Class C0". The glutamic acid amino acid residue is found in multiple mammalian species, which suggests that this missense change does not adversely affect protein function. In summary, the available evidence is currently insufficient to determine the role of this variant in disease. Therefore, it has been classified as a Variant of Uncertain Significance.